The following is an entry in ClinVar:

ClinVar aggregate classification (germline): Uncertain significance. Review status: criteria provided, multiple submitters, no conflicts (2 of 4 stars). 3 submissions from 3 submitters: Uncertain significance (3). Last evaluated 2024-10-10.

Conditions:
Cardiomyopathy (CMYO). Also called: Cardiomyopathies. Identifiers: Orphanet 167848, MedGen C0878544, MONDO:0004994, HP:0001638. Inheritance: Various modes of inheritance.
Hypertrophic cardiomyopathy. Also called: HYPERTROPHIC MYOCARDIOPATHY. Identifiers: Orphanet 217569, MedGen C0007194, MeSH D002312, MONDO:0005045, HP:0001639.

Allele frequency attached by ClinVar (database versions not stated): gnomAD exomes 0.00001; ExAC 0.00002.

Submissions (3):

Labcorp Genetics (formerly Invitae), Labcorp
Classification: Uncertain significance for Hypertrophic cardiomyopathy. Last evaluated: 2024-10-10. Review status: criteria provided, single submitter. Criteria: Invitae Variant Classification Sherloc (09022015). Collection method: clinical testing. Allele origin: germline.
Comment: This sequence change replaces serine, which is neutral and polar, with cysteine, which is neutral and slightly polar, at codon 25 of the MYBPC3 protein (p.Ser25Cys). This variant is present in population databases (rs749970304, gnomAD 0.01%). This variant has not been reported in the literature in individuals affected with MYBPC3-related conditions. ClinVar contains an entry for this variant (Variation ID: 629691). An algorithm developed to predict the effect of missense changes on protein structure and function (PolyPhen-2) suggests that this variant is likely to be disruptive. In summary, the available evidence is currently insufficient to determine the role of this variant in disease. Therefore, it has been classified as a Variant of Uncertain Significance.

Revvity Omics, Revvity
Classification: Uncertain significance. Last evaluated: 2021-07-07. Review status: criteria provided, single submitter. Criteria: ACMG Guidelines, 2015. Collection method: clinical testing. Allele origin: germline.

Color Diagnostics, LLC DBA Color Health
Classification: Uncertain significance for Cardiomyopathy. Last evaluated: 2019-05-28. Review status: criteria provided, single submitter. Criteria: ACMG Guidelines, 2015. Collection method: clinical testing. Allele origin: germline.
Comment: This missense variant replaces serine with cysteine at codon 25 of the MYBPC3 protein. Computational prediction tools and conservation analyses suggest that this variant may not impact the protein function. Computational splicing tools suggest that this variant may not impact RNA splicing. To our knowledge, functional assays have not been performed for this variant nor has this variant been reported in individuals affected with cardiovascular disorders in the literature. This variant has been identified in 2/237860 chromosomes in the general population by the Genome Aggregation Database (gnomAD). Available evidence is insufficient to determine the role of this variant in disease conclusively. Therefore, this variant is classified as a Variant of Uncertain Significance.

NM_000256.3(MYBPC3):c.73A>T (p.Ser25Cys)

Gene: MYBPC3 (myosin binding protein C3; minus strand). Cytogenetic location: 11p11.2.
Variant type: single nucleotide variant.
Coding change: c.73A>T on transcript NM_000256.3 (MANE Select); coding-DNA position 73, A replaced by T.
Protein change: p.Ser25Cys; replaces serine 25 with cysteine.
Molecular consequence: missense variant.
Genome position (GRCh38, 1-based): chr11:47,351,458, T>A on the plus strand (A>T on the coding strand, the complement: MYBPC3 is on the minus strand). VCF-style: chr11-47351458-T-A. GRCh37 (hg19) VCF-style: chr11-47373009-T-A.
Other names: c.73A>T, p.Ser25Cys (LRG_386t1); short protein forms S25C.
Identifiers: ClinVar variation 629691 (VCV000629691.10), dbSNP rs749970304, ClinGen allele CA056566.